The following is an entry in ClinVar:

ClinVar aggregate classification (germline): Likely benign (1 of 4 stars; one submission).

Submission:

CeGaT Center for Human Genetics Tuebingen
Classification: Likely benign. Last evaluated: 2025-08-01. Review status: criteria provided, single submitter. Criteria: CeGaT Center For Human Genetics Tuebingen Variant Classification Criteria Version 2. Collection method: clinical testing. Allele origin: germline. Affected: yes. Observed: 1 variant allele.
Comment: PTCH1: PM2:Supporting, BP4, BP7

NM_000264.5(PTCH1):c.3969T>C (p.Phe1323=)

Gene: PTCH1 (patched 1; minus strand). Cytogenetic location: 9q22.32.
Variant type: single nucleotide variant.
Coding change: c.3969T>C on transcript NM_000264.5 (MANE Select); coding-DNA position 3969, T replaced by C.
Protein change: p.Phe1323=; no amino-acid change (phenylalanine 1323 retained).
Molecular consequence: synonymous variant. On other transcripts: non-coding transcript variant (1).
Genome position (GRCh38, 1-based): chr9:95,447,287, A>G on the plus strand (T>C on the coding strand, the complement: PTCH1 is on the minus strand). VCF-style: chr9-95447287-A-G. GRCh37 (hg19) VCF-style: chr9-98209569-A-G.
Other names: c.3771T>C, p.Phe1257= (NM_001083602.3); c.3966T>C, p.Phe1322= (NM_001083603.3); c.3516T>C, p.Phe1172= (NM_001083604.3, NM_001083605.3, NM_001083606.3 and 1 more transcripts); c.3813T>C, p.Phe1271= (NM_001354918.2).
Identifiers: ClinVar variation 4084804 (VCV004084804.8).